The following is an entry in ClinVar:

ClinVar aggregate classification (germline): Uncertain significance (1 of 4 stars; one submission).

gnomAD v4.1: 4 of 1,614,162 alleles (0.00025%); highest among the groups gnomAD compares: Non-Finnish European, 0.00034%; no homozygotes.

Submission:

Labcorp Genetics (formerly Invitae), Labcorp
Classification: Uncertain significance. Last evaluated: 2023-06-23. Review status: criteria provided, single submitter. Criteria: Invitae Variant Classification Sherloc (09022015). Collection method: clinical testing. Allele origin: germline.
Comment: In summary, the available evidence is currently insufficient to determine the role of this variant in disease. Therefore, it has been classified as a Variant of Uncertain Significance. This variant has not been reported in the literature in individuals affected with SPECC1L-related conditions. This variant is present in population databases (rs781324727, gnomAD 0.0009%). This sequence change creates a premature translational stop signal (p.Arg461*) in the SPECC1L gene. It is expected to result in an absent or disrupted protein product. However, the current clinical and genetic evidence is not sufficient to establish whether loss-of-function variants in SPECC1L cause disease.

NM_015330.6(SPECC1L):c.1381C>T (p.Arg461Ter)

Genes: SPECC1L (sperm antigen with calponin homology and coiled-coil domains 1 like; plus strand), SPECC1L-ADORA2A (SPECC1L-ADORA2A readthrough (NMD candidate); plus strand). Cytogenetic location: 22q11.23.
Variant type: single nucleotide variant.
Coding change: c.1381C>T on transcript NM_015330.6 (MANE Select); coding-DNA position 1381, C replaced by T.
Protein change: p.Arg461Ter; replaces arginine 461 with a stop codon.
Molecular consequence: nonsense. On other transcripts: non-coding transcript variant (1).
Genome position (GRCh38, 1-based): chr22:24,322,361, C>T. VCF-style: chr22-24322361-C-T. GRCh37 (hg19) VCF-style: chr22-24718329-C-T.
Other names: c.1381C>T, p.Arg461Ter (NM_001145468.4, NM_001254732.3); short protein forms R461*.
Identifiers: ClinVar variation 2878705 (VCV002878705.3), dbSNP rs781324727, ClinGen allele CA10152107.